The following is an entry in ClinVar:

NM_000059.4(BRCA2):c.4501A>G (p.Asn1501Asp)

Gene: BRCA2 (BRCA2 DNA repair associated; plus strand). Cytogenetic location: 13q13.1.
Variant type: single nucleotide variant.
Coding change: c.4501A>G on transcript NM_000059.4 (MANE Select); coding-DNA position 4501, A replaced by G.
Protein change: p.Asn1501Asp; replaces asparagine 1501 with aspartic acid.
Molecular consequence: missense variant.
Genome position (GRCh38, 1-based): chr13:32,338,856, A>G. VCF-style: chr13-32338856-A-G. GRCh37 (hg19) VCF-style: chr13-32912993-A-G.
Other names: c.4501A>G (NM_000059.3); short protein forms N1501D.
Identifiers: ClinVar variation 1376795 (VCV001376795.9), dbSNP rs1555283811, ClinGen allele CA387781581.
Genomic context (GRCh38, chr13:32,338,856, plus strand): 5'-GAGGAAACAGACATAGTTAAACACAAAATACTGAAAGAAAGTGTCCCAGTTGGTACTGGA[A>G]ATCAACTAGTGACCTTCCAGGGACAACCCGAACGTGATGAAAAGATCAAAGAACCTACTC-3'
Protein context (NP_000050.3, residues 1491-1511): LKESVPVGTG[Asn1501Asp]QLVTFQGQPE

ClinVar aggregate classification (germline): Conflicting classifications of pathogenicity. Review status: criteria provided, conflicting classifications (1 of 4 stars). 4 submissions from 4 submitters: Uncertain significance (2); Likely benign (2). Last evaluated 2024-09-04.

Conditions:
Breast-ovarian cancer, familial, susceptibility to, 2 (BROVCA2). Also called: BRCA2 Hereditary Breast and Ovarian Cancer. Identifiers: Orphanet 145, MedGen C2675520, MONDO:0012933, OMIM 612555. Disease mechanism: loss of function.
Hereditary cancer-predisposing syndrome. Also called: Tumor predisposition; Hereditary neoplastic syndrome; Neoplastic Syndromes, Hereditary; Hereditary Cancer Syndrome. Identifiers: Orphanet 140162, MedGen C0027672, MeSH D009386, MONDO:0015356.
Hereditary breast ovarian cancer syndrome. Also called: Hereditary breast and ovarian cancer; Hereditary breast and ovarian cancer syndrome (HBOC); Breast and ovarian cancer; BRCA1- and BRCA2-Associated Hereditary Breast and Ovarian Cancer; Hereditary breast and/or ovarian cancer syndrome; Hereditary breast and ovarian cancer syndrome. Identifiers: Orphanet 145, MedGen C0677776, MeSH D061325, MONDO:0003582. Disease mechanism: loss of function.

Submissions (4):

Ambry Genetics
Classification: Likely benign for Hereditary cancer-predisposing syndrome. Last evaluated: 2024-09-04. Review status: criteria provided, single submitter. Criteria: Ambry Variant Classification Scheme 2023. Collection method: clinical testing. Allele origin: germline.

University of Washington Department of Laboratory Medicine, University of Washington
Classification: Likely benign for Hereditary cancer-predisposing syndrome. Last evaluated: 2023-03-23. Review status: criteria provided, single submitter. Criteria: Dines et al. (Genet Med. 2020). Collection method: curation. Allele origin: germline.
Comment: Missense variant in a coldspot region where missense variants are very unlikely to be pathogenic (PMID:31911673).

BRCA2 exon 11 coldspot. Reclassification based on statistical prior probability.

All of Us Research Program, National Institutes of Health
Classification: Uncertain significance for Breast-ovarian cancer, familial, susceptibility to, 2. Last evaluated: 2023-03-09. Review status: criteria provided, single submitter. Criteria: ACMG Guidelines, 2015. Collection method: clinical testing. Allele origin: germline. Inheritance: Autosomal dominant inheritance. Observed: 1 variant allele, 1 heterozygote.
Comment: This missense variant replaces asparagine with aspartic acid at codon 1501 of the BRCA2 protein. Computational prediction suggests that this variant may not impact protein structure and function (internally defined REVEL score threshold <= 0.5, PMID: 27666373). To our knowledge, functional studies have not been reported for this variant. This variant has not been reported in individuals affected with hereditary cancer in the literature. This variant has not been identified in the general population by the Genome Aggregation Database (gnomAD). The available evidence is insufficient to determine the role of this variant in disease conclusively. Therefore, this variant is classified as a Variant of Uncertain Significance.

This study involves interpretation of variants in research participants for the purpose of population health screening. Participant phenotype was not available at the time of variant classification. Additional details can be found in publication PMID: 35346344, PMCID: PMC8962531

Labcorp Genetics (formerly Invitae), Labcorp
Classification: Uncertain significance for Hereditary breast ovarian cancer syndrome. Last evaluated: 2022-07-19. Review status: criteria provided, single submitter. Criteria: Invitae Variant Classification Sherloc (09022015). Collection method: clinical testing. Allele origin: germline.
Comment: In summary, the available evidence is currently insufficient to determine the role of this variant in disease. Therefore, it has been classified as a Variant of Uncertain Significance. Advanced modeling of protein sequence and biophysical properties (such as structural, functional, and spatial information, amino acid conservation, physicochemical variation, residue mobility, and thermodynamic stability) performed at Invitae indicates that this missense variant is not expected to disrupt BRCA2 protein function. ClinVar contains an entry for this variant (Variation ID: 1376795). This variant has not been reported in the literature in individuals affected with BRCA2-related conditions. This variant is not present in population databases (gnomAD no frequency). This sequence change replaces asparagine, which is neutral and polar, with aspartic acid, which is acidic and polar, at codon 1501 of the BRCA2 protein (p.Asn1501Asp).